The following is an entry in ClinVar:

ClinVar aggregate classification (germline): Pathogenic. Review status: reviewed by expert panel (3 of 4 stars). 11 submissions from 11 submitters: Pathogenic (1). 10 of the submissions do not count toward it. Last evaluated 2024-02-18.

Conditions:
Leber congenital amaurosis 2 (LCA2). Also called: AMAUROSIS CONGENITA OF LEBER II; Autosomal Recessive RPE65-Related Retinal Degeneration. Identifiers: Orphanet 65, MedGen C1859844, MONDO:0008765, OMIM 204100. Disease mechanism: loss of function.
Retinitis pigmentosa 87 with choroidal involvement. Identifiers: MedGen C5231465, MONDO:0032873, OMIM 618697.
RPE65-related recessive retinopathy. Also called: Recessive RPE65 retinopathy. Identifiers: MedGen CN305526, MONDO:0100368.
RPE65-related disorder. Also called: RPE65-related condition; RPE65-related disorders. Identifiers: MedGen CN239301.
Retinitis pigmentosa 20 (RP20). Identifiers: Orphanet 791, MedGen C3151086, MONDO:0013425, OMIM 613794.
Leber congenital amaurosis (LCA). Also called: Leber's amaurosis. Identifiers: Orphanet 65, MedGen C0339527, MeSH D057130, MONDO:0018998.

Allele frequency attached by ClinVar (database versions not stated): gnomAD 0.00002; TOPMed 0.00002.
gnomAD v4.1: 11 of 1,613,840 alleles (0.00068%); highest among the groups gnomAD compares: Non-Finnish European, 0.00093%; no homozygotes.

Submissions (11):

ClinGen Leber Congenital Amaurosis/early Onset Retinal Dystrophy Variant Curation Expert Panel, ClinGen
Classification: Pathogenic for RPE65-related recessive retinopathy. Last evaluated: 2024-02-18. Review status: reviewed by expert panel. Criteria: ClinGen LCAeoRD ACMG Specifications RPE65 V1.0.0. Collection method: curation. Allele origin: germline. Inheritance: Autosomal recessive inheritance.
Comment: NM_000329.3(RPE65):c.715T>G is a predicted missense variant substituting tyrosine by aspartic acid at position 239. The computational predictor REVEL gives a score of 0.987, which is above the ClinGen LCA / eoRD VCEP threshold of >= 0.773 and predicts a damaging effect on RPE65 function (PP3_Moderate). The splicing impact predictor SpliceAI also gives a score of 0.34 for splice acceptor gain, which is above the ClinGen LCA / eoRD VCEP recommended threshold of >=0.2 and predicts a damaging impact on splicing. This variant is present in gnomAD v.2.1.1 at a GrpMax allele frequency of 0.00002, with 3/129118 total alleles in the European (Non-Finnish) population, which is lower than the ClinGen LCA / eoRD VCEP PM2_Supporting threshold of <0.0002 (PM2_Supporting). This variant has been reported in at least 3 unrelated probands with early-onset severe retinal dystrophy who were homozygous for the variant (1 point, PMID: 32032261). This variant has also been reported in at least 1 proband with early-onset severe retinal dystrophy who was compound heterozygous with the NM_000329.3(RPE65):c.1102T>C (p.Tyr368His) variant confirmed in trans (1 point, PMID: 26626312), which was previously classified pathogenic by the ClinGen LCA / eoRD VCEP (2 total points, PM3_Strong). At least one proband harboring this variant exhibits a phenotype including clinical diagnosis of Leber congenital amaurosis (0.5 pt) and significant, documented improvement of blue full-field stimulus testing after treatment with RPE65 gene therapy (8 pts), which together are highly specific for RPE65-related recessive retinopathy (8.5 points, PMID: 21911650, PP4_Moderate). The variant exhibited between 1% (PMID: 24849605) and 5% (PMID: 19431183) enzymatic activity in retinoid isomerase assays relative to the wild-type control, which is lower than the ClinGen LCA / eoRD PS3_Supporting threshold of <10% activity, indicating that it triggers a severe defect in protein function (PS3_Supporting). In summary, this variant meets the criteria to be classified as pathogenic for RPE65-related recessive retinopathy based on the ACMG/AMP criteria applied, as specified by the ClinGen LCA / eoRD VCEP: PS3_Supporting, PM2_Supporting, PM3_Strong, PP3_Moderate, and PP4_Moderate. (VCEP specifications version 1.0.0; date of approval 09/21/2023).

Labcorp Genetics (formerly Invitae), Labcorp
Classification: Pathogenic for Leber congenital amaurosis 2; Retinitis pigmentosa 20. Last evaluated: 2025-05-30. Review status: criteria provided, single submitter. Criteria: Invitae Variant Classification Sherloc (09022015). Collection method: clinical testing. Allele origin: germline. Not counted in ClinVar's aggregate classification.
Comment: This sequence change replaces tyrosine, which is neutral and polar, with aspartic acid, which is acidic and polar, at codon 239 of the RPE65 protein (p.Tyr239Asp). This variant is present in population databases (rs61752896, gnomAD 0.002%). This missense change has been observed in individual(s) with retinitis pigmentosa or Leber congenital amaurosis (PMID: 20801516, 22334370, 26626312). In at least one individual the data is consistent with being in trans (on the opposite chromosome) from a pathogenic variant. ClinVar contains an entry for this variant (Variation ID: 98889). Invitae Evidence Modeling of protein sequence and biophysical properties (such as structural, functional, and spatial information, amino acid conservation, physicochemical variation, residue mobility, and thermodynamic stability) indicates that this missense variant is expected to disrupt RPE65 protein function with a positive predictive value of 80%. Experimental studies have shown that this missense change affects RPE65 function (PMID: 19431183, 24849605, 26427455). For these reasons, this variant has been classified as Pathogenic.

PreventionGenetics, part of Exact Sciences
Classification: Pathogenic for RPE65-related condition. Last evaluated: 2025-03-15. Review status: criteria provided, single submitter. Criteria: ACMG Guidelines, 2015. Collection method: clinical testing. Allele origin: germline. Not counted in ClinVar's aggregate classification.
Comment: The RPE65 c.715T>G variant is predicted to result in the amino acid substitution p.Tyr239Asp. This variant has been reported in the homozygous and compound heterozygous states in multiple unrelated individuals with autosomal recessive retinitis pigmentosa (ARRP), Leber congenital amaurosis (LCA), and early-onset cone-rod dystrophy (Booij et al. 2011. PubMed ID: 20801516; Neveling et al. 2012. PubMed ID: 22334370; Astuti et al. 2016. PubMed ID: 26626312; PreventionGenetics internal data). It has also been reported as a single heterozygous variant in an individual with LCA (Galvin et al. 2005. PubMed ID: 16205573), but the significance of this finding is unclear. In vitro functional studies found that this variant results in a loss of enzymatic activity due to greatly reduced protein expression (Philp et al. 2009. PubMed ID: 19431183; Li et al. 2014. PubMed ID: 24849605). An individual with LCA, who had this variant and a second causative RPE65 variant, exhibited improved visual function after gene RPE65 gene therapy (Jacobson et al. 2011. PubMedID: 21911650). This variant is reported in 0.0023% of alleles in individuals of European (non-Finnish) descent in gnomAD. Taken together, this variant is interpreted as pathogenic for autosomal recessive RPE65-related disease.

CeGaT Center for Human Genetics Tuebingen
Classification: Likely pathogenic. Last evaluated: 2025-02-01. Review status: criteria provided, single submitter. Criteria: CeGaT Center For Human Genetics Tuebingen Variant Classification Criteria Version 2. Collection method: clinical testing. Allele origin: germline. Affected: yes. Observed: 1 variant allele. Not counted in ClinVar's aggregate classification.
Comment: RPE65: PM1, PM2, PM3, PP3, PS3:Supporting

Natera, Inc.
Classification: Pathogenic for Leber congenital amaurosis. Last evaluated: 2024-10-15. Review status: criteria provided, single submitter. Criteria: Natera Variant Classification Schema (03/2026). Collection method: clinical testing. Allele origin: germline. Not counted in ClinVar's aggregate classification.
Comment: The c.715T>G variant in RPE65 is a missense variant predicted to cause substitution of tyrosine to aspartic acid at amino acid 239. This variant is rare in the general population with a frequency below the threshold expected for the associated phenotype(s). This variant has been observed in one or more individuals affected with the associated recessive disease, as either homozygous or compound heterozygous with a second variant (PMID: 19117922, 28224992, 26626312, 20801516). Given the available evidence, this variant is classified as Pathogenic.

Baylor Genetics
Classification: Pathogenic for Leber congenital amaurosis 2. Last evaluated: 2024-01-16. Review status: criteria provided, single submitter. Criteria: ACMG Guidelines, 2015. Collection method: clinical testing. Allele origin: unknown. Not counted in ClinVar's aggregate classification.

Department of Pathology and Laboratory Medicine, Sinai Health System
Classification: Pathogenic for Leber congenital amaurosis 2; Retinitis pigmentosa 87 with choroidal involvement. Last evaluated: 2023-08-22. Review status: criteria provided, single submitter. Criteria: ACMG Guidelines, 2015. Collection method: research. Allele origin: germline. Not counted in ClinVar's aggregate classification.

Blueprint Genetics
Classification: Pathogenic for RPE65-related disorders. Last evaluated: 2022-08-25. Review status: criteria provided, single submitter. Criteria: ACMG Guidelines, 2015. Collection method: clinical testing. Allele origin: germline. Affected: yes. Observed: 3 variant alleles. Not counted in ClinVar's aggregate classification.

GeneDx
Classification: Pathogenic. Last evaluated: 2021-04-22. Review status: criteria provided, single submitter. Criteria: GeneDx Variant Classification Process June 2021. Collection method: clinical testing. Allele origin: germline. Affected: yes. Not counted in ClinVar's aggregate classification.
Comment: Observed in other patients with RPE65-related disorders in published literature (Galvin et al., 2005; Jacobson et al., 2009; Pasadhika et al., 2010); Published functional studies demonstrate a damaging effect on protein function and expression (Philp et al., 2009; Redmond et al., 2010; Jin et al., 2016); Not observed at a significant frequency in large population cohorts (Lek et al., 2016); This variant is associated with the following publications: (PMID: 19959640, 22334370, 19117922, 24849605, 19920137, 26427455, 19431183, 16205573)

Joint Genome Diagnostic Labs from Nijmegen and Maastricht, Radboudumc and MUMC+
Classification: Pathogenic for Leber congenital amaurosis 2. Last evaluated: 2016-09-01. Review status: no assertion criteria provided. Collection method: clinical testing. Allele origin: unknown. Affected: yes. Observed: 1 variant allele. Not counted in ClinVar's aggregate classification.

Retina International
No classification provided. Review status: no classification provided. Collection method: not provided. Allele origin: not provided. Not counted in ClinVar's aggregate classification.

Literature cited by the submitters: PubMed 20801516 (cited by Labcorp Genetics (formerly Invitae), Labcorp and Natera, Inc.); PubMed 22334370 (cited by Labcorp Genetics (formerly Invitae), Labcorp); PubMed 26626312 (cited by Labcorp Genetics (formerly Invitae), Labcorp and Natera, Inc.); PubMed 19431183 (cited by Labcorp Genetics (formerly Invitae), Labcorp); PubMed 24849605 (cited by Labcorp Genetics (formerly Invitae), Labcorp); PubMed 26427455 (cited by Labcorp Genetics (formerly Invitae), Labcorp); PubMed 19117922 (cited by Natera, Inc.); PubMed 28224992 (cited by Natera, Inc.).

NM_000329.3(RPE65):c.715T>G (p.Tyr239Asp)

Gene: RPE65 (retinoid isomerohydrolase RPE65; minus strand). Cytogenetic location: 1p31.3.
Variant type: single nucleotide variant.
Coding change: c.715T>G on transcript NM_000329.3 (MANE Select); coding-DNA position 715, T replaced by G.
Protein change: p.Tyr239Asp; replaces tyrosine 239 with aspartic acid.
Molecular consequence: missense variant.
Genome position (GRCh38, 1-based): chr1:68,439,571, A>C on the plus strand (T>G on the coding strand, the complement: RPE65 is on the minus strand). VCF-style: chr1-68439571-A-C. GRCh37 (hg19) VCF-style: chr1-68905254-A-C.
Other names: NM_000329.3(RPE65):c.715T>G; short protein forms Y239D.
Identifiers: ClinVar variation 98889 (VCV000098889.33), dbSNP rs61752896, ClinGen allele CA226579.